The following is an entry in ClinVar:

NM_017553.3(INO80):c.4078-39C>T

Gene: INO80 (INO80 complex ATPase subunit; minus strand). Cytogenetic location: 15q15.1.
Variant type: single nucleotide variant.
Coding change: c.4078-39C>T on transcript NM_017553.3 (MANE Select); 39 bases into the intron before coding-DNA position 4078, C replaced by T.
Molecular consequence: intron variant.
Genome position (GRCh38, 1-based): chr15:40,983,960, G>A on the plus strand (C>T on the coding strand, the complement: INO80 is on the minus strand). VCF-style: chr15-40983960-G-A. GRCh37 (hg19) VCF-style: chr15-41276158-G-A.
Identifiers: ClinVar variation 2688065 (VCV002688065.2), dbSNP rs11855248, ClinGen allele CA7488542.

ClinVar aggregate classification (germline): Benign (1 of 4 stars; one submission).

Allele frequency attached by ClinVar (database versions not stated): 1000 Genomes Project 30x 0.38882; 1000 Genomes Project 0.39177; ExAC 0.41509; gnomAD 0.41787; TOPMed 0.41866; ESP Exome Variant Server 0.43149; gnomAD exomes 0.44625.
gnomAD v4.1: 711,451 of 1,604,548 alleles (44%); highest among the groups gnomAD compares: Middle Eastern, 48%; 159,535 homozygotes.

Submission:

Unidad de Genómica Garrahan, Hospital de Pediatría Garrahan
Classification: Benign. Last evaluated: 2024-01-24. Review status: criteria provided, single submitter. Criteria: ACMG Guidelines, 2015. Collection method: clinical testing. Allele origin: germline. Affected: no. Observed: 58 variant alleles.
Comment: This variant is classified as Benign based on local population frequency. This variant was detected in 61% of patients studied by a panel of primary immunodeficiencies. Number of patients: 58. Only high quality variants are reported.